The following is an entry in ClinVar:

NM_152347.5(EFCAB13):c.1848G>A (p.Thr616=)

Gene: EFCAB13 (EF-hand calcium binding domain 13; plus strand). Cytogenetic location: 17q21.32.
Variant type: single nucleotide variant.
Coding change: c.1848G>A on transcript NM_152347.5 (MANE Select); coding-DNA position 1848, G replaced by A.
Protein change: p.Thr616=; no amino-acid change (threonine 616 retained).
Molecular consequence: synonymous variant.
Genome position (GRCh38, 1-based): chr17:47,395,880, G>A. VCF-style: chr17-47395880-G-A. GRCh37 (hg19) VCF-style: chr17-45473246-G-A.
Other names: c.1560G>A, p.Thr520= (NM_001195192.2, NM_001426588.1); c.1848G>A, p.Thr616= (NM_001426585.1); c.1704G>A, p.Thr568= (NM_001426586.1, NM_001426587.1).
Identifiers: ClinVar variation 3052516 (VCV003052516.2), dbSNP rs746079946, ClinGen allele CA8624085.

ClinVar aggregate classification (germline): Likely benign (0 of 4 stars; one submission).

Conditions:
EFCAB13-related disorder. Also called: EFCAB13-related condition.

Allele frequency attached by ClinVar (database versions not stated): gnomAD 0.00001; ExAC 0.00002; TOPMed 0.00002.
gnomAD v4.1: 31 of 1,610,112 alleles (0.0019%); highest among the groups gnomAD compares: East Asian, 0.013%; no homozygotes.

Submission:

PreventionGenetics, part of Exact Sciences
Classification: Likely benign for EFCAB13-related condition. Last evaluated: 2019-08-21. Review status: no assertion criteria provided. Collection method: clinical testing. Allele origin: germline.
Comment: This variant is classified as likely benign based on ACMG/AMP sequence variant interpretation guidelines (Richards et al. 2015 PMID: 25741868, with internal and published modifications).